The following is an entry in ClinVar:

NM_181703.4(GJA5):c.325C>T (p.Arg109Trp)

Gene: GJA5 (gap junction protein alpha 5; minus strand). Cytogenetic location: 1q21.2.
Variant type: single nucleotide variant.
Coding change: c.325C>T on transcript NM_181703.4 (MANE Select); coding-DNA position 325, C replaced by T.
Protein change: p.Arg109Trp; replaces arginine 109 with tryptophan.
Molecular consequence: missense variant.
Genome position (GRCh38, 1-based): chr1:147,758,914, G>A on the plus strand (C>T on the coding strand, the complement: GJA5 is on the minus strand). VCF-style: chr1-147758914-G-A. GRCh37 (hg19) VCF-style: chr1-147231022-G-A.
Other names: c.325C>T, p.Arg109Trp (NM_005266.7); short protein forms R109W.
Identifiers: ClinVar variation 575645 (VCV000575645.6), dbSNP rs782392307, ClinGen allele CA1065788.

ClinVar aggregate classification (germline): Uncertain significance (1 of 4 stars; one submission).

Conditions:
Atrial fibrillation, familial, 11 (ATFB11). Identifiers: MedGen C3279693, MONDO:0013544, OMIM 614049.
Atrial standstill 1 (ATRST1). Also called: ATRIAL CARDIOMYOPATHY WITH HEART BLOCK; Atrial standstill, digenic (GJA5/SCN5A); CARDIOMYOPATHY, FAMILIAL, WITH CONDUCTION DISTURBANCE. Identifiers: Orphanet 1344, MedGen C4551959, MONDO:0007171, OMIM 108770.

Allele frequency attached by ClinVar (database versions not stated): TOPMed 0.00001; ExAC 0.00002; gnomAD 0.00002.
gnomAD v4.1: 22 of 1,614,104 alleles (0.0014%); highest among the groups gnomAD compares: Non-Finnish European, 0.00042%; no homozygotes.

Submission:

Labcorp Genetics (formerly Invitae), Labcorp
Classification: Uncertain significance for Atrial fibrillation, familial, 11; Atrial standstill 1. Last evaluated: 2021-06-21. Review status: criteria provided, single submitter. Criteria: Invitae Variant Classification Sherloc (09022015). Collection method: clinical testing. Allele origin: germline.
Comment: This sequence change replaces arginine with tryptophan at codon 109 of the GJA5 protein (p.Arg109Trp). The arginine residue is moderately conserved and there is a moderate physicochemical difference between arginine and tryptophan. This variant is present in population databases (rs782392307, ExAC 0.004%). In summary, the available evidence is currently insufficient to determine the role of this variant in disease. Therefore, it has been classified as a Variant of Uncertain Significance. Algorithms developed to predict the effect of missense changes on protein structure and function do not agree on the potential impact of this missense change (SIFT: "Deleterious"; PolyPhen-2: "Probably Damaging"; Align-GVGD: "Class C0"). This variant has not been reported in the literature in individuals with GJA5-related disease.